The following is an entry in ClinVar:

NM_020937.4(FANCM):c.2485G>T (p.Val829Leu)

Gene: FANCM (FA complementation group M; plus strand). Cytogenetic location: 14q21.2.
Variant type: single nucleotide variant.
Coding change: c.2485G>T on transcript NM_020937.4 (MANE Select); coding-DNA position 2485, G replaced by T.
Protein change: p.Val829Leu; replaces valine 829 with leucine.
Molecular consequence: missense variant.
Genome position (GRCh38, 1-based): chr14:45,175,239, G>T. VCF-style: chr14-45175239-G-T. GRCh37 (hg19) VCF-style: chr14-45644442-G-T.
Other names: c.2407G>T, p.Val803Leu (NM_001308133.2); short protein forms V803L, V829L.
Identifiers: ClinVar variation 1314912 (VCV001314912.10), dbSNP rs754426327, ClinGen allele CA7169361.

ClinVar aggregate classification (germline): Uncertain significance. Review status: criteria provided, multiple submitters, no conflicts (2 of 4 stars). 3 submissions from 3 submitters: Uncertain significance (3). Last evaluated 2026-01-17.

Conditions:
Inborn genetic diseases. Identifiers: MedGen C0950123, MeSH D030342.
Fanconi anemia (FA). Also called: Fanconi's anemia. Identifiers: Orphanet 84, MedGen C0015625, MeSH D005199, MONDO:0019391.

Allele frequency attached by ClinVar (database versions not stated): gnomAD exomes 0.00001; ExAC 0.00002.

Submissions (3):

Ambry Genetics
Classification: Uncertain significance for Inborn genetic diseases. Last evaluated: 2026-01-17. Review status: criteria provided, single submitter. Criteria: Ambry Variant Classification Scheme 2023. Collection method: clinical testing. Allele origin: germline.
Comment: The p.V829L variant (also known as c.2485G>T), located in coding exon 14 of the FANCM gene, results from a G to T substitution at nucleotide position 2485. The valine at codon 829 is replaced by leucine, an amino acid with highly similar properties. This amino acid position is conserved. In addition, this alteration is predicted to be tolerated by in silico analysis. Based on the available evidence, the clinical significance of this variant remains unclear.

GeneDx
Classification: Uncertain significance. Last evaluated: 2021-04-28. Review status: criteria provided, single submitter. Criteria: GeneDx Variant Classification Process June 2021. Collection method: clinical testing. Allele origin: germline. Affected: yes.
Comment: Not observed at a significant frequency in large population cohorts (Lek 2016); In silico analysis supports that this missense variant does not alter protein structure/function; Has not been previously published as pathogenic or benign to our knowledge

Labcorp Genetics (formerly Invitae), Labcorp
Classification: Uncertain significance for Fanconi anemia. Last evaluated: 2021-04-10. Review status: criteria provided, single submitter. Criteria: Invitae Variant Classification Sherloc (09022015). Collection method: clinical testing. Allele origin: germline.
Comment: In summary, the available evidence is currently insufficient to determine the role of this variant in disease. Therefore, it has been classified as a Variant of Uncertain Significance. Algorithms developed to predict the effect of missense changes on protein structure and function output the following: SIFT: "Tolerated"; PolyPhen-2: "Benign"; Align-GVGD: "Class C0". The leucine amino acid residue is found in multiple mammalian species, suggesting that this missense change does not adversely affect protein function. These predictions have not been confirmed by published functional studies and their clinical significance is uncertain. This variant has not been reported in the literature in individuals with FANCM-related conditions. This variant is present in population databases (rs754426327, ExAC 0.003%). This sequence change replaces valine with leucine at codon 829 of the FANCM protein (p.Val829Leu). The valine residue is weakly conserved and there is a small physicochemical difference between valine and leucine.